The following is an entry in ClinVar:

ClinVar aggregate classification (germline): Conflicting classifications of pathogenicity. Review status: criteria provided, conflicting classifications (1 of 4 stars). 2 submissions from 2 submitters: Likely pathogenic (1); Uncertain significance (1). Last evaluated 2021-08-14.

Conditions:
Charcot-Marie-Tooth disease type 2A2. Also called: CHARCOT-MARIE-TOOTH DISEASE, AXONAL, TYPE 2A2; CHARCOT-MARIE-TOOTH DISEASE, NEURONAL, TYPE 2A2; HEREDITARY MOTOR AND SENSORY NEUROPATHY IIA2; HMSN IIA2; CHARCOT-MARIE-TOOTH DISEASE, AXONAL, AUTOSOMAL DOMINANT, TYPE 2A2A; Charcot-Marie-Tooth Neuropathy Type 2A2. Identifiers: Orphanet 99947, MedGen C4721887, MONDO:0012231, OMIM 609260.
Charcot-Marie-Tooth disease, axonal, autosomal recessive, type 2a2b;. Also called: Charcot-Marie-Tooth disease, axonal, type 2A2B; Charcot-Marie-Tooth disease, axonal, autosomal recessive, type 2A2B. Identifiers: MedGen C4310725, MONDO:0014906, OMIM 617087.
Neuropathy, hereditary motor and sensory, type 6A (HMSN6A). Also called: NEUROPATHY, HEREDITARY MOTOR AND SENSORY, TYPE VIA; HMSN VIA; CHARCOT-MARIE-TOOTH DISEASE, TYPE 6A; NEUROPATHY, HEREDITARY MOTOR AND SENSORY, TYPE VIA, WITH OPTIC ATROPHY. Identifiers: MedGen CN305336, MONDO:0011002, OMIM 601152.
Charcot-Marie-Tooth disease type 2. Also called: Charcot-Marie-Tooth type 2. Identifiers: Orphanet 64746, MedGen C0270914, MONDO:0018993.

Submissions (2):

Kariminejad - Najmabadi Pathology & Genetics Center
Classification: Likely pathogenic for Charcot-Marie-Tooth disease type 2A2; Charcot-Marie-Tooth disease, axonal, autosomal recessive, type 2a2b;; Neuropathy, hereditary motor and sensory, type 6A. Last evaluated: 2021-08-14. Review status: criteria provided, single submitter. Criteria: ACMG Guidelines, 2015. Collection method: clinical testing. Allele origin: germline. Inheritance: Autosomal dominant inheritance. Affected: yes.
Comment: PM1 PM2 PM5 PP3

Labcorp Genetics (formerly Invitae), Labcorp
Classification: Uncertain significance for Charcot-Marie-Tooth disease type 2. Last evaluated: 2021-05-13. Review status: criteria provided, single submitter. Criteria: Invitae Variant Classification Sherloc (09022015). Collection method: clinical testing. Allele origin: germline.
Comment: This sequence change replaces glutamic acid with aspartic acid at codon 744 of the MFN2 protein (p.Glu744Asp). The glutamic acid residue is moderately conserved and there is a small physicochemical difference between glutamic acid and aspartic acid. This variant is not present in population databases (ExAC no frequency). This variant has been observed in individual(s) with Charcot-Marie-Tooth disease (Invitae). Algorithms developed to predict the effect of missense changes on protein structure and function are either unavailable or do not agree on the potential impact of this missense change (SIFT: "Tolerated"; PolyPhen-2: "Probably Damaging"; Align-GVGD: "Class C0"). This variant disrupts the p.Glu744 amino acid residue in MFN2. Other variant(s) that disrupt this residue have been observed in individuals with MFN2-related conditions (PMID: 22206013, 31211173, 24863639), which suggests that this may be a clinically significant amino acid residue. In summary, the available evidence is currently insufficient to determine the role of this variant in disease. Therefore, it has been classified as a Variant of Uncertain Significance.

Literature cited by the submitters: PubMed 22206013 (cited by Labcorp Genetics (formerly Invitae), Labcorp); PubMed 31211173 (cited by Labcorp Genetics (formerly Invitae), Labcorp); PubMed 24863639 (cited by Labcorp Genetics (formerly Invitae), Labcorp).

NM_014874.4(MFN2):c.2232G>T (p.Glu744Asp)

Gene: MFN2 (mitofusin 2; plus strand). Cytogenetic location: 1p36.22.
Variant type: single nucleotide variant.
Coding change: c.2232G>T on transcript NM_014874.4 (MANE Select); coding-DNA position 2232, G replaced by T.
Protein change: p.Glu744Asp; replaces glutamic acid 744 with aspartic acid.
Molecular consequence: missense variant.
Genome position (GRCh38, 1-based): chr1:12,011,523, G>T. VCF-style: chr1-12011523-G-T. GRCh37 (hg19) VCF-style: chr1-12071580-G-T.
Other names: c.2232G>T, p.Glu744Asp (NM_001127660.2); short protein forms E744D.
Identifiers: ClinVar variation 999667 (VCV000999667.9), dbSNP rs756693072, ClinGen allele CA338454363.